The following continues an entry in ClinVar:

NM_001360.3(DHCR7):c.452G>A (p.Trp151Ter)

Gene: DHCR7. ClinVar aggregate classification (germline): Pathogenic/Likely pathogenic. Pathogenic (44); Likely pathogenic (1).

Submissions 12 to 32 of 49:

Dasa
Classification: Pathogenic. Last evaluated: 2025-03-10. Review status: criteria provided, single submitter. Criteria: DASA Assertion Criteria. Collection method: clinical testing. Allele origin: germline.
Comment: NM_001360.3(DHCR7):c.452G>A (p.Trp151Ter) introduces a premature termination codon predicted to result in loss of normal protein function. Loss-of-function is an established mechanism of disease for this gene. This variant has been observed in affected individuals with related phenotype in a genotype context consistent with recessive disease (PMID: 9653161; PMID: 11078571; PMID: 11175299; PMID: 15521979; PMID: 16497572). This variant has been recurrently observed in individuals with related phenotype (PMID: 9653161; PMID: 11078571; PMID: 11175299; PMID: 15521979; PMID: 16497572). Segregation evidence has been reported in affected families. The variant is present at low frequency in population datasets. Based on the available data, this variant is classified as pathogenic.

Laboratory of Genetics, Children's Clinical University Hospital Latvia
Classification: Pathogenic. Last evaluated: 2025-02-16. Review status: criteria provided, single submitter. Criteria: ACMG Guidelines, 2015. Collection method: clinical testing. Allele origin: germline. Affected: yes.

Greenwood Genetic Center Diagnostic Laboratories, Greenwood Genetic Center
Classification: Pathogenic for Smith-Lemli-Opitz syndrome. Last evaluated: 2025-02-11. Review status: criteria provided, single submitter. Criteria: ACMG Guidelines, 2015. Collection method: clinical testing. Allele origin: germline. Affected: yes.
Comment: PVS1, PS3, PM2, PM3_Very Strong

Blueprint Genetics
Classification: Pathogenic for DHCR7-related disorders. Last evaluated: 2024-11-22. Review status: criteria provided, single submitter. Criteria: ACMG Guidelines, 2015. Collection method: clinical testing. Allele origin: germline. Affected: yes. Observed: 5 variant alleles.

Revvity Omics, Revvity
Classification: Pathogenic for Smith-Lemli-Opitz syndrome. Last evaluated: 2024-09-06. Review status: criteria provided, single submitter. Criteria: ACMG Guidelines, 2015. Collection method: clinical testing. Allele origin: germline.

Fulgent Genetics
Classification: Pathogenic for Smith-Lemli-Opitz syndrome. Last evaluated: 2024-04-26. Review status: criteria provided, single submitter. Criteria: ACMG Guidelines, 2015. Collection method: clinical testing. Allele origin: germline.

Department of Human Genetics, Hannover Medical School
Classification: Pathogenic for Smith-Lemli-Opitz syndrome. Last evaluated: 2024-04-25. Review status: criteria provided, single submitter. Criteria: ACMG Guidelines, 2015. Collection method: clinical testing. Allele origin: germline. Affected: yes.

Clinical Genomics Laboratory, Stanford Medicine
Classification: Pathogenic for Smith-Lemli-Opitz syndrome. Last evaluated: 2023-09-01. Review status: criteria provided, single submitter. Criteria: ACMG Guidelines, 2015. Collection method: clinical testing. Allele origin: germline. Inheritance: Autosomal recessive inheritance. Observed: 1 variant allele, 1 heterozygote.

Department of Pathology and Laboratory Medicine, Sinai Health System
Classification: Pathogenic for Smith-Lemli-Opitz syndrome. Last evaluated: 2023-05-01. Review status: criteria provided, single submitter. Criteria: ACMG Guidelines, 2015. Collection method: research. Allele origin: germline.

Molecular Genetics, Royal Melbourne Hospital
Classification: Pathogenic for Smith-Lemli-Opitz syndrome. Last evaluated: 2023-03-30. Review status: criteria provided, single submitter. Criteria: ACMG Guidelines, 2015. Collection method: clinical testing. Allele origin: germline.
Comment: This sequence change in DHCR7 is a nonsense variant predicted to cause a premature stop codon, p.(Trp151*), in biologically-relevant-exon 6/9 leading to nonsense mediated decay in a gene in which loss-of-function is an established disease mechanism (ClinGen). The highest population minor allele frequency in gnomAD v2.1 is 0.1% (181/127,446 alleles) in the European (non-Finnish) population. This variant has been detected in at least 25 individuals with Smith-Lemli Opitz syndrome (SLOS), many with biochemical confirmation indicated by elevated 7-dehydrocholesterol. Of those individuals, two individuals were homozygous and 18 were compound heterozygous for the variant and a pathogenic variant and two of those were confirmed in trans by parental testing. The variant has been reported to segregate with SLOS in at least three families (PMID: 9653161, 11078571, 15521979). Based on the classification scheme RMH Modified ACMG Guidelines v1.5.1, this variant is classified as PATHOGENIC. Following criteria are met: PVS1, PM3_VeryStrong, PP1_Strong, PP4.

MGZ Medical Genetics Center
Classification: Pathogenic for Smith-Lemli-Opitz syndrome. Last evaluated: 2022-04-01. Review status: criteria provided, single submitter. Criteria: ACMG Guidelines, 2015. Collection method: clinical testing. Allele origin: germline. Affected: yes. Observed: 3 variant alleles.
Comment: ACMG criteria applied: PVS1, PM3_VSTR, PS3, PS4

New York Genome Center
Classification: Pathogenic for Smith-Lemli-Opitz syndrome. Last evaluated: 2021-10-23. Review status: criteria provided, single submitter. Criteria: NYGC Assertion Criteria 2020. Collection method: clinical testing. Allele origin: germline. Observed: 1 heterozygote. Study: CSER-NYCKidSeq.

Laboratory of Medical Genetics, National & Kapodistrian University of Athens
Classification: Pathogenic for Smith-Lemli-Opitz syndrome. Last evaluated: 2021-10-06. Review status: criteria provided, single submitter. Criteria: ACMG Guidelines, 2015. Collection method: clinical testing. Allele origin: unknown.
Comment: PVS1, PM2, PP3, PP5

Institute of Medical Genetics and Applied Genomics, University Hospital Tübingen
Classification: Pathogenic. Last evaluated: 2020-10-23. Review status: criteria provided, single submitter. Criteria: ACMG Guidelines, 2015. Collection method: clinical testing. Allele origin: germline. Inheritance: Unknown mechanism. Affected: yes.

Ambry Genetics
Classification: Pathogenic for Inborn genetic diseases. Last evaluated: 2020-02-11. Review status: criteria provided, single submitter. Criteria: Ambry Variant Classification Scheme 2023. Collection method: clinical testing. Allele origin: germline.
Comment: The c.452G>A (p.W151*) alteration, located in exon 6 (coding exon 4) of the DHCR7 gene, consists of a G to A substitution at nucleotide position 452. This changes the amino acid from a tryptophan (W) to a stop codon at amino acid position 151. This alteration is expected to result in loss of function by premature protein truncation or nonsense-mediated mRNA decay. This recurrent mutation has been documented to account for 6.9% of mutant alleles in DHCR7 and has been reported in the homozygous state and in trans with a second DHCR7 alteration in multiple patients with Smith Lemli Opitz syndrome (SLOS) (Fitzky, 1998; Witsch-Baumgartner, 2000; L&ouml;ffler, 2000; Krakowiak, 2000; Lazarin, 2017). In addition, this was the second most commonly seen mutation on carrier screens elected from 2012-2015 (Lazarin, 2013). One study found that the carrier frequency of this mutation in Ashkenazi Jewish individuals may be as high as 1/40 and 1/122 in non-Ashkenazi Jewish individuals (Shi, 2017). Based on the available evidence, this alteration is classified as pathogenic.

Myriad Genetics, Inc.
Classification: Pathogenic for Smith-Lemli-Opitz syndrome. Last evaluated: 2019-12-09. Review status: criteria provided, single submitter. Criteria: Myriad Women's Health Autosomal Recessive and X-Linked Classification Criteria (2019). Collection method: clinical testing. Allele origin: unknown.
Comment: NM_001360.2(DHCR7):c.452G>A(W151*) is classified as pathogenic in the context of Smith-Lemli-Opitz syndrome and is associated with the severe form of the disease. Sources cited for classification include the following: PMID 9653161, 20556518, and 10677299. Classification of NM_001360.2(DHCR7):c.452G>A(W151*) is based on the following criteria: The variant causes a premature termination codon that is expected to be targeted by nonsense-mediated mRNA decay and is reported in individuals with the relevant phenotype. Please note: this variant was assessed in the context of healthy population screening.

GeneDx
Classification: Pathogenic. Last evaluated: 2019-10-30. Review status: criteria provided, single submitter. Criteria: GeneDx Variant Classification Process June 2021. Collection method: clinical testing. Allele origin: germline. Affected: yes.
Comment: Reported previously in association with Smith-Lemli-Opitz syndrome (SLOS), in affected individuals who are compound heterozygous for the W151X variant and another pathogenic variant, and has been observed in the homozygous state in a lethal form of SLOS (Fitzky et al., 1998; Correa-Cerro et al., 2005b; Loffler et al., 2000); Studies of patient fibroblasts demonstrated that the transcript with this variant underwent nonsense-mediated mRNA decay in a gene for which loss-of-function is a known mechanism of disease (Correa-Cerro et al., 2005b); This variant is associated with the following publications: (PMID: 10995508, 25525159, 29300326, 27415407, 19390132, 22975760, 11175299, 16687448, 16678134, 15805162, 11078571, 27066502, 26685159, 9653161, 28166604, 29165578, 28250423, 15521979, 16497572, 20556518, 23293579, 10677299, 17965227, 29433144, 30609409, 31980526, 31589614)

Institute of Human Genetics, University of Leipzig Medical Center
Classification: Pathogenic for Smith-Lemli-Opitz syndrome. Last evaluated: 2019-10-18. Review status: criteria provided, single submitter. Criteria: ACMG Guidelines, 2015. Collection method: clinical testing. Allele origin: germline. Affected: yes.
Comment: The variant was confirmed as compound heterozygous with a pathogenic variant (NM_001163817.1: c.964-1G>C).

Hadassah Hebrew University Medical Center
Classification: Likely pathogenic for Smith-Lemli-Opitz syndrome. Last evaluated: 2019-06-20. Review status: criteria provided, single submitter. Criteria: ACMG Guidelines, 2015. Collection method: clinical testing. Allele origin: germline. Affected: yes.

Centre for Mendelian Genomics, University Medical Centre Ljubljana
Classification: Pathogenic for Smith-Lemli-Opitz syndrome. Last evaluated: 2019-05-20. Review status: criteria provided, single submitter. Criteria: ACMG Guidelines, 2015. Collection method: clinical testing. Allele origin: unknown. Affected: yes.
Comment: This variant was classified as: Pathogenic. The following ACMG criteria were applied in classifying this variant: PVS1,PS1,PS3,PP4,PM3.

Gharavi Laboratory, Columbia University
Classification: Pathogenic. Last evaluated: 2018-09-16. Review status: criteria provided, single submitter. Criteria: ACMG Guidelines, 2015. Collection method: research. Allele origin: germline. Affected: yes.